The following is an entry in ClinVar:

NM_001197104.2(KMT2A):c.619G>A (p.Gly207Arg)

Gene: KMT2A (lysine methyltransferase 2A; plus strand). Cytogenetic location: 11q23.3.
Variant type: single nucleotide variant.
Coding change: c.619G>A on transcript NM_001197104.2 (MANE Select); coding-DNA position 619, G replaced by A.
Protein change: p.Gly207Arg; replaces glycine 207 with arginine.
Molecular consequence: missense variant.
Genome position (GRCh38, 1-based): chr11:118,471,778, G>A. VCF-style: chr11-118471778-G-A. GRCh37 (hg19) VCF-style: chr11-118342493-G-A.
Other names: c.619G>A, p.Gly207Arg (NM_005933.4); short protein forms G207R.
Identifiers: ClinVar variation 1422885 (VCV001422885.8), dbSNP rs1555035560, ClinGen allele CA382807066.

ClinVar aggregate classification (germline): Uncertain significance (1 of 4 stars; one submission).

Allele frequency attached by ClinVar (database versions not stated): gnomAD exomes below 0.00001.

Submission:

Labcorp Genetics (formerly Invitae), Labcorp
Classification: Uncertain significance. Last evaluated: 2022-01-12. Review status: criteria provided, single submitter. Criteria: Invitae Variant Classification Sherloc (09022015). Collection method: clinical testing. Allele origin: germline.
Comment: In summary, the available evidence is currently insufficient to determine the role of this variant in disease. Therefore, it has been classified as a Variant of Uncertain Significance. Advanced modeling of protein sequence and biophysical properties (such as structural, functional, and spatial information, amino acid conservation, physicochemical variation, residue mobility, and thermodynamic stability) performed at Invitae indicates that this missense variant is not expected to disrupt KMT2A protein function. This variant has not been reported in the literature in individuals affected with KMT2A-related conditions. This variant is present in population databases (no rsID available, gnomAD 0.006%). This sequence change replaces glycine, which is neutral and non-polar, with arginine, which is basic and polar, at codon 207 of the KMT2A protein (p.Gly207Arg).